The following is an entry in ClinVar:

NM_025137.4(SPG11):c.1621C>T (p.Gln541Ter)

Gene: SPG11 (SPG11 vesicle trafficking associated, spatacsin; minus strand). Cytogenetic location: 15q21.1.
Variant type: single nucleotide variant.
Coding change: c.1621C>T on transcript NM_025137.4 (MANE Select); coding-DNA position 1621, C replaced by T.
Protein change: p.Gln541Ter; replaces glutamine 541 with a stop codon.
Molecular consequence: nonsense.
Genome position (GRCh38, 1-based): chr15:44,633,619, G>A on the plus strand (C>T on the coding strand, the complement: SPG11 is on the minus strand). VCF-style: chr15-44633619-G-A. GRCh37 (hg19) VCF-style: chr15-44925817-G-A.
Other names: c.1621C>T, p.Gln541Ter (NM_001160227.2); short protein forms Q541*.
Identifiers: ClinVar variation 235891 (VCV000235891.22), dbSNP rs765061840, ClinGen allele CA7535486.
Genomic context (GRCh38, chr15:44,633,619, plus strand): 5'-TTGAGGATGGATTAAAAAGATTTTCCTTGCTCTTCAAAAAGAAATTTACTGTGTCCAGCT[G>A]ACGATTTTCTATCCCGGCCTGAAATGAGGAGGAAAATAAAAATCAGAAAAAAATTACAAT-3'

ClinVar aggregate classification (germline): Pathogenic/Likely pathogenic. Review status: criteria provided, multiple submitters, no conflicts (2 of 4 stars). 9 submissions from 7 submitters: Pathogenic (8); Likely pathogenic (1). Last evaluated 2025-11-27.

Conditions:
Charcot-Marie-Tooth disease axonal type 2X. Also called: CHARCOT-MARIE-TOOTH DISEASE, AXONAL, AUTOSOMAL RECESSIVE, TYPE 2X; CHARCOT-MARIE-TOOTH NEUROPATHY, TYPE 2X. Identifiers: Orphanet 466775, MedGen C5569024, MONDO:0014726, OMIM 616668.
Autosomal recessive SPG11-related disorders.
Hereditary spastic paraplegia 11. Also called: Autosomal recessive hereditary spastic paraplegia, mental impairment, and thin corpus callosum; Nakamura Osame syndrome; Spastic paraplegia, mental retardation and thin corpus callosum; SPASTIC PARAPLEGIA, AUTOSOMAL RECESSIVE, COMPLICATED, WITH THIN CORPUS CALLOSUM; SPASTIC PARAPLEGIA, AUTOSOMAL RECESSIVE, WITH MENTAL IMPAIRMENT AND THIN CORPUS CALLOSUM; Spastic Paraplegia 11. Identifiers: Orphanet 2822, MedGen C1858479, MONDO:0011445, OMIM 604360.
Amyotrophic lateral sclerosis type 5 (ALS5). Also called: AMYOTROPHIC LATERAL SCLEROSIS 5, JUVENILE. Identifiers: Orphanet 300605, MedGen C1865864, MONDO:0011196, OMIM 602099.

Allele frequency attached by ClinVar (database versions not stated): gnomAD exomes 0.00001 and below 0.00001; gnomAD 0.00001; ExAC 0.00001.

Submissions (9):

Labcorp Genetics (formerly Invitae), Labcorp
Classification: Pathogenic for Hereditary spastic paraplegia 11. Last evaluated: 2025-11-27. Review status: criteria provided, single submitter. Criteria: Invitae Variant Classification Sherloc (09022015). Collection method: clinical testing. Allele origin: germline.
Comment: This sequence change creates a premature translational stop signal (p.Gln541*) in the SPG11 gene. It is expected to result in an absent or disrupted protein product. Loss-of-function variants in SPG11 are known to be pathogenic (PMID: 19105190, 20110243, 22154821, 26556829). This variant is present in population databases (rs765061840, gnomAD 0.003%). This premature translational stop signal has been observed in individuals with hereditary spastic paraplegia or amyotrophic lateral sclerosis (PMID: 25299611, 28554332, 29246610). ClinVar contains an entry for this variant (Variation ID: 235891). For these reasons, this variant has been classified as Pathogenic.

Variantyx, Inc.
Classification: Pathogenic for Autosomal recessive SPG11-related disorders. Last evaluated: 2025-08-18. Review status: criteria provided, single submitter. Criteria: Variantyx Assertion Criteria 2022. Collection method: clinical testing. Allele origin: germline. Inheritance: Autosomal recessive inheritance.
Comment: This is a nonsense variant in the SPG11 gene (OMIM: 610844). Pathogenic variants in this gene have been associated with autosomal recessive SPG11-related disorders. This variant introduces a premature termination codon in exon 8 out of 40 and is expected to result in loss of function, which is a known disease mechanism for SPG11 in this disorder (PMID: 19105190, 22154821) (PVS1). This variant has been identified in the compound heterozygous state in several individuals reported in the published literature (PMID: 25299611, 28554332, 29246610) (PM3_Strong). It has a 0.0004% maximum allele frequency in non-founder control populations (PM2). Based on the current evidence, this variant is classified as pathogenic for autosomal recessive SPG11-related disorders.A

Fulgent Genetics
Classification: Likely pathogenic for Amyotrophic lateral sclerosis type 5; Hereditary spastic paraplegia 11; Charcot-Marie-Tooth disease axonal type 2X. Last evaluated: 2024-03-22. Review status: criteria provided, single submitter. Criteria: ACMG Guidelines, 2015. Collection method: clinical testing. Allele origin: germline.

GeneDx
Classification: Pathogenic. Last evaluated: 2022-02-17. Review status: criteria provided, single submitter. Criteria: GeneDx Variant Classification Process June 2021. Collection method: clinical testing. Allele origin: germline. Affected: yes.
Comment: Reported previously in a patient with ALS, who also harbored the F2176L variant (reported as F2063L using alternative nomenclature); however segregation data was not provided (Couthouis et al., 2014); Reported previusly in a patient with complicated HSP who harbored 2 additional SPG11 variants; segregation analysis indicated that the F2176L variant and the Q541X variant were paternally inherited, and the other variant was maternally inherited (Burguez et al., 2017); Nonsense variant predicted to result in protein truncation or nonsense mediated decay in a gene for which loss-of-function is a known mechanism of disease; Not observed at a significant frequency in large population cohorts (gnomAD); This variant is associated with the following publications: (PMID: 25299611, 28554332, 29246610)

Revvity Omics, Revvity
Classification: Pathogenic. Last evaluated: 2021-08-10. Review status: criteria provided, single submitter. Criteria: ACMG Guidelines, 2015. Collection method: clinical testing. Allele origin: germline.

HudsonAlpha Institute for Biotechnology
Classification: Pathogenic for Hereditary spastic paraplegia 11. Last evaluated: 2018-07-20. Review status: criteria provided, single submitter. Criteria: ACMG Guidelines, 2015. Collection method: research. Allele origin: paternal. Affected: yes. Observed: 1 variant allele. Study: AGHI-WGS-HudsonAlpha.

HudsonAlpha Institute for Biotechnology
Classification: Pathogenic for Charcot-Marie-Tooth disease axonal type 2X. Last evaluated: 2016-04-14. Review status: criteria provided, single submitter. Criteria: HA_assertions_20161101. Collection method: research. Allele origin: maternal. Affected: yes. Study: CSER-HudsonAlpha.

Genome-Nilou Lab
Classification: Pathogenic for Charcot-Marie-Tooth disease axonal type 2X. Review status: criteria provided, single submitter. Criteria: ACMG Guidelines, 2015. Collection method: clinical testing. Allele origin: germline.

Genome-Nilou Lab
Classification: Pathogenic for Hereditary spastic paraplegia 11. Review status: criteria provided, single submitter. Criteria: ACMG Guidelines, 2015. Collection method: clinical testing. Allele origin: germline.

Literature cited by the submitters: PubMed 19105190 (cited by Labcorp Genetics (formerly Invitae), Labcorp and Variantyx, Inc.); PubMed 20110243 (cited by Labcorp Genetics (formerly Invitae), Labcorp); PubMed 22154821 (cited by Labcorp Genetics (formerly Invitae), Labcorp and Variantyx, Inc.); PubMed 26556829 (cited by Labcorp Genetics (formerly Invitae), Labcorp); PubMed 25299611 (cited by Labcorp Genetics (formerly Invitae), Labcorp and Variantyx, Inc.); PubMed 28554332 (cited by Labcorp Genetics (formerly Invitae), Labcorp and Variantyx, Inc.); PubMed 29246610 (cited by Labcorp Genetics (formerly Invitae), Labcorp and Variantyx, Inc.).